The following is an entry in ClinVar:

NM_002351.5(SH2D1A):c.138-3C>G

Gene: SH2D1A (SH2 domain containing 1A; plus strand). Cytogenetic location: Xq25.
Variant type: single nucleotide variant.
Coding change: c.138-3C>G on transcript NM_002351.5 (MANE Select); 3 bases into the intron before coding-DNA position 138, C replaced by G.
Molecular consequence: intron variant.
Genome position (GRCh38, 1-based): chrX:124,365,758, C>G. VCF-style: chrX-124365758-C-G. GRCh37 (hg19) VCF-style: chrX-123499608-C-G.
Other names: c.138-3C>G (NM_001114937.3).
Identifiers: ClinVar variation 548931 (VCV000548931.2), dbSNP rs1556620697, ClinGen allele CA658824028.
Genomic context (GRCh38, chrX:124,365,758, plus strand): 5'-CAAATTTAAAGTATCCATTGTTCTTTTGGAATCTTTCAGTAATGGAAGTTTATTCTTTCA[C>G]AGGTATCACGGTTACATTTATACATACCGAGTGTCCCAGACAGAAACAGGTTCTTGGAGT-3'

ClinVar aggregate classification (germline): Likely pathogenic (0 of 4 stars; one submission).

Conditions:
X-linked lymphoproliferative disease due to SH2D1A deficiency (XLP1). Also called: EBV infection severe susceptibility to; Epstein Barr virus infection familial fatal; Duncan's syndrome; DUNCAN DISEASE; IMMUNODEFICIENCY 5; IMMUNODEFICIENCY, X-LINKED PROGRESSIVE COMBINED VARIABLE. Identifiers: Orphanet 2442, Orphanet 538931, MedGen C5399825, MONDO:0024551, OMIM 308240.

Submission:

Foundation for Research in Genetics and Endocrinology, FRIGE's Institute of Human Genetics
Classification: Likely pathogenic for X-linked lymphoproliferative disease due to SH2D1A deficiency. Last evaluated: 2015-09-10. Review status: no assertion criteria provided. Collection method: clinical testing. Allele origin: germline. Inheritance: X-linked inheritance. Affected: yes. Observed: 1 variant allele, 1 hemizygote.
Comment: The observed variant c.138-3C>G is not reported in 1000 Genomes and ExAC databases. The in silico prediction of the given variant is disease causing by MutationTaster2.